The following is an entry in ClinVar:

ClinVar aggregate classification (germline): Uncertain significance. Review status: criteria provided, multiple submitters, no conflicts (2 of 4 stars). 4 submissions from 4 submitters: Uncertain significance (4). Last evaluated 2025-06-07.

Conditions:
Joubert syndrome 24 (JBTS24). Identifiers: Orphanet 475, MedGen C4084841, MONDO:0014724, OMIM 616654.
Meckel syndrome, type 8. Identifiers: Orphanet 564, MedGen C3836857, MONDO:0013482, OMIM 613885.
Meckel-Gruber syndrome. Also called: GRUBER SYNDROME; DYSENCEPHALIA SPLANCHNOCYSTICA; Dysencephalia splachnocystica. Identifiers: Orphanet 564, MedGen C0265215, MONDO:0018921.
Joubert syndrome. Also called: Familial aplasia of the vermis; JOUBERT-BOLTSHAUSER SYNDROME. Identifiers: Orphanet 475, MedGen C5979921, MONDO:0018772.
Inborn genetic diseases. Identifiers: MedGen C0950123, MeSH D030342.

Allele frequency attached by ClinVar (database versions not stated): gnomAD exomes below 0.00001 and 0.00002; ExAC 0.00001; gnomAD 0.00003 and 0.00004; TOPMed 0.00005.
gnomAD v4.1: 11 of 1,614,010 alleles (0.00068%); highest among the groups gnomAD compares: African/African-American, 0.013%; no homozygotes.

Submissions (4):

Ambry Genetics
Classification: Uncertain significance for Inborn genetic diseases. Last evaluated: 2025-06-07. Review status: criteria provided, single submitter. Criteria: Ambry Variant Classification Scheme 2023. Collection method: clinical testing. Allele origin: germline.

Blueprint Genetics
Classification: Uncertain significance. Last evaluated: 2024-09-09. Review status: criteria provided, single submitter. Criteria: ACMG Guidelines, 2015. Collection method: clinical testing. Allele origin: germline.

Fulgent Genetics
Classification: Uncertain significance for Meckel syndrome, type 8; Joubert syndrome 24. Last evaluated: 2024-05-17. Review status: criteria provided, single submitter. Criteria: ACMG Guidelines, 2015. Collection method: clinical testing. Allele origin: germline.

Labcorp Genetics (formerly Invitae), Labcorp
Classification: Uncertain significance for Joubert syndrome; Meckel-Gruber syndrome. Last evaluated: 2022-07-30. Review status: criteria provided, single submitter. Criteria: Invitae Variant Classification Sherloc (09022015). Collection method: clinical testing. Allele origin: germline.
Comment: This sequence change replaces tryptophan, which is neutral and slightly polar, with serine, which is neutral and polar, at codon 689 of the TCTN2 protein (p.Trp689Ser). This variant is present in population databases (rs771335558, gnomAD 0.03%). This variant has not been reported in the literature in individuals affected with TCTN2-related conditions. ClinVar contains an entry for this variant (Variation ID: 461765). Algorithms developed to predict the effect of missense changes on protein structure and function are either unavailable or do not agree on the potential impact of this missense change (SIFT: "Deleterious"; PolyPhen-2: "Possibly Damaging"; Align-GVGD: "Class C0"). In summary, the available evidence is currently insufficient to determine the role of this variant in disease. Therefore, it has been classified as a Variant of Uncertain Significance.

NM_024809.5(TCTN2):c.2066G>C (p.Trp689Ser)

Gene: TCTN2 (tectonic family member 2; plus strand). Cytogenetic location: 12q24.31.
Variant type: single nucleotide variant.
Coding change: c.2066G>C on transcript NM_024809.5 (MANE Select); coding-DNA position 2066, G replaced by C.
Protein change: p.Trp689Ser; replaces tryptophan 689 with serine.
Molecular consequence: missense variant.
Genome position (GRCh38, 1-based): chr12:123,707,685, G>C. VCF-style: chr12-123707685-G-C. GRCh37 (hg19) VCF-style: chr12-124192232-G-C.
Other names: c.2063G>C, p.Trp688Ser (NM_001143850.3); c.2066G>C (NM_024809.3); short protein forms W689S, W688S.
Identifiers: ClinVar variation 461765 (VCV000461765.9), dbSNP rs771335558, ClinGen allele CA6861426.